The following is an entry in ClinVar:

ClinVar aggregate classification (germline): Uncertain significance. Review status: criteria provided, multiple submitters, no conflicts (2 of 4 stars). 3 submissions from 3 submitters: Uncertain significance (3). Last evaluated 2024-02-14.

Conditions:
Rothmund-Thomson syndrome type 2 (RTS2). Identifiers: Orphanet 221016, MedGen C5203410, MONDO:0016369, OMIM 268400.
Baller-Gerold syndrome (BGS). Also called: CRANIOSYNOSTOSIS WITH RADIAL DEFECTS. Identifiers: Orphanet 1225, MedGen C0265308, MONDO:0009039, OMIM 218600.

Allele frequency attached by ClinVar (database versions not stated): gnomAD 0.00004 and 0.00007; TOPMed 0.00009; gnomAD exomes 0.00022; ExAC 0.00026; 1000 Genomes Project 0.00040; 1000 Genomes Project 30x 0.00047.
gnomAD v4.1: 132 of 1,605,072 alleles (0.0082%); highest among the groups gnomAD compares: Admixed American, 0.087%; no homozygotes.

Submissions (4):

GeneDx
Classification: Uncertain significance. Last evaluated: 2024-02-14. Review status: criteria provided, single submitter. Criteria: GeneDx Variant Classification Process June 2021. Collection method: clinical testing. Allele origin: germline. Affected: yes.
Comment: Alters the last nucleotide of the exon and is predicted to destroy the splice donor site and result in aberrant splicing, although in the absence of functional evidence the actual effect of this sequence change is unknown; This variant is associated with the following publications: (PMID: 30086788, 35725860, 35171259)

Labcorp Genetics (formerly Invitae), Labcorp
Classification: Uncertain significance for Baller-Gerold syndrome. Last evaluated: 2024-01-19. Review status: criteria provided, single submitter. Criteria: Invitae Variant Classification Sherloc (09022015). Collection method: clinical testing. Allele origin: germline.
Comment: This sequence change replaces alanine, which is neutral and non-polar, with threonine, which is neutral and polar, at codon 919 of the RECQL4 protein (p.Ala919Thr). This variant also falls at the last nucleotide of exon 15, which is part of the consensus splice site for this exon. This variant is present in population databases (rs186739072, gnomAD 0.1%). This missense change has been observed in individual(s) with breast cancer (PMID: 30086788). ClinVar contains an entry for this variant (Variation ID: 459430). Experimental studies and prediction algorithms are not available or were not evaluated, and the functional significance of this variant is currently unknown. Variants that disrupt the consensus splice site are a relatively common cause of aberrant splicing (PMID: 17576681, 9536098). Algorithms developed to predict the effect of sequence changes on RNA splicing suggest that this variant may disrupt the consensus splice site. In summary, the available evidence is currently insufficient to determine the role of this variant in disease. Therefore, it has been classified as a Variant of Uncertain Significance.

Baylor Genetics
Classification: Uncertain significance for Rothmund-Thomson syndrome type 2. Last evaluated: 2018-12-21. Review status: criteria provided, single submitter. Criteria: ACMG Guidelines, 2015. Collection method: clinical testing. Allele origin: unknown. Affected: yes. Study: CSER-TexasKidsCanSeq.
Comment: This variant was determined to be of uncertain significance according to ACMG Guidelines, 2015 [PMID:25741868].

Dr. Peter K. Rogan Lab, Western University
No classification provided (evidence only). Condition: Sarcoma. Review status: no classification provided. Collection method: in vitro. Allele origin: not applicable. Functional consequence: retained intron. Not counted in ClinVar's aggregate classification.

Literature cited by the submitters: PubMed 30086788 (cited by Labcorp Genetics (formerly Invitae), Labcorp); PubMed 17576681 (cited by Labcorp Genetics (formerly Invitae), Labcorp); PubMed 9536098 (cited by Labcorp Genetics (formerly Invitae), Labcorp).

NM_004260.4(RECQL4):c.2755G>A (p.Ala919Thr)

Gene: RECQL4 (RecQ like helicase 4; minus strand). Cytogenetic location: 8q24.3.
Variant type: single nucleotide variant.
Coding change: c.2755G>A on transcript NM_004260.4 (MANE Select); coding-DNA position 2755, G replaced by A.
Protein change: p.Ala919Thr; replaces alanine 919 with threonine.
Molecular consequence: missense variant.
Genome position (GRCh38, 1-based): chr8:144,512,847, C>T on the plus strand (G>A on the coding strand, the complement: RECQL4 is on the minus strand). VCF-style: chr8-144512847-C-T. GRCh37 (hg19) VCF-style: chr8-145738230-C-T.
Other names: short protein forms A919T.
Identifiers: ClinVar variation 459430 (VCV000459430.10), dbSNP rs186739072, ClinGen allele CA4948122.